The following is an entry in ClinVar:

NM_015450.3(POT1):c.1205A>G (p.Gln402Arg)

Gene: POT1 (protection of telomeres 1; minus strand). Cytogenetic location: 7q31.33.
Variant type: single nucleotide variant.
Coding change: c.1205A>G on transcript NM_015450.3 (MANE Select); coding-DNA position 1205, A replaced by G.
Protein change: p.Gln402Arg; replaces glutamine 402 with arginine.
Molecular consequence: missense variant. On other transcripts: non-coding transcript variant (3).
Genome position (GRCh38, 1-based): chr7:124,841,137, T>C on the plus strand (A>G on the coding strand, the complement: POT1 is on the minus strand). VCF-style: chr7-124841137-T-C. GRCh37 (hg19) VCF-style: chr7-124481191-T-C.
Other names: c.812A>G, p.Gln271Arg (NM_001042594.2); short protein forms Q271R, Q402R.
Identifiers: ClinVar variation 1001766 (VCV001001766.13), dbSNP rs1646830386, ClinGen allele CA369067627.

ClinVar aggregate classification (germline): Conflicting classifications of pathogenicity. Review status: criteria provided, conflicting classifications (1 of 4 stars). 3 submissions from 3 submitters: Uncertain significance (2); Likely benign (1). Last evaluated 2024-06-13.

Conditions:
Tumor predisposition syndrome 3 (TPDS3). Also called: Glioma susceptibility 9; LONG TELOMERE SYNDROME, POT1-RELATED; POT1 Tumor Predisposition; Melanoma, cutaneous malignant, susceptibility to, 10. Identifiers: Orphanet 618, MedGen C4014476, MONDO:0014368, OMIM 615848.
Hereditary cancer-predisposing syndrome. Also called: Neoplastic Syndromes, Hereditary; Hereditary Cancer Syndrome; Hereditary neoplastic syndrome; Tumor predisposition. Identifiers: Orphanet 140162, MedGen C0027672, MeSH D009386, MONDO:0015356.

Allele frequency attached by ClinVar (database versions not stated): TOPMed below 0.00001.

Submissions (3):

Ambry Genetics
Classification: Likely benign for Hereditary cancer-predisposing syndrome. Last evaluated: 2024-06-13. Review status: criteria provided, single submitter. Criteria: Ambry Variant Classification Scheme 2023. Collection method: clinical testing. Allele origin: germline.

Labcorp Genetics (formerly Invitae), Labcorp
Classification: Uncertain significance for Tumor predisposition syndrome 3. Last evaluated: 2022-02-10. Review status: criteria provided, single submitter. Criteria: Invitae Variant Classification Sherloc (09022015). Collection method: clinical testing. Allele origin: germline.
Comment: This sequence change replaces glutamine, which is neutral and polar, with arginine, which is basic and polar, at codon 402 of the POT1 protein (p.Gln402Arg). This variant is not present in population databases (gnomAD no frequency). This variant has not been reported in the literature in individuals affected with POT1-related conditions. ClinVar contains an entry for this variant (Variation ID: 1001766). Algorithms developed to predict the effect of missense changes on protein structure and function output the following: SIFT: "Tolerated"; PolyPhen-2: "Benign"; Align-GVGD: "Class C0". The arginine amino acid residue is found in multiple mammalian species, which suggests that this missense change does not adversely affect protein function. In summary, the available evidence is currently insufficient to determine the role of this variant in disease. Therefore, it has been classified as a Variant of Uncertain Significance.

GeneDx
Classification: Uncertain significance. Last evaluated: 2020-05-25. Review status: criteria provided, single submitter. Criteria: GeneDx Variant Classification Process June 2021. Collection method: clinical testing. Allele origin: germline. Affected: yes.
Comment: Not observed in large population cohorts (Lek 2016); In silico analysis supports that this missense variant does not alter protein structure/function; Has not been previously published as pathogenic or benign to our knowledge